The following is an entry in ClinVar:

NM_001844.5(COL2A1):c.*4C>T

Gene: COL2A1 (collagen type II alpha 1 chain; minus strand). Cytogenetic location: 12q13.11.
Variant type: single nucleotide variant.
Coding change: c.*4C>T on transcript NM_001844.5 (MANE Select); 4 bases downstream of the stop codon, C replaced by T.
Molecular consequence: 3 prime UTR variant.
Genome position (GRCh38, 1-based): chr12:47,973,403, G>A on the plus strand (C>T on the coding strand, the complement: COL2A1 is on the minus strand). VCF-style: chr12-47973403-G-A. GRCh37 (hg19) VCF-style: chr12-48367186-G-A.
Other names: c.*4C>T (NM_033150.3).
Identifiers: ClinVar variation 308902 (VCV000308902.23), dbSNP rs41272773, ClinGen allele CA6534447.

ClinVar aggregate classification (germline): Benign/Likely benign. Review status: criteria provided, multiple submitters, no conflicts (2 of 4 stars). 8 submissions from 7 submitters: Benign (7); Likely benign (1). Last evaluated 2024-11-27.

Conditions:
Connective tissue disorder. Also called: Connective tissue disease. Identifiers: MedGen C0009782, MONDO:0003900.
Stickler syndrome type 1 (STL1). Also called: COL2A1-Related Stickler Syndrome; ARTHROOPHTHALMOPATHY, HEREDITARY PROGRESSIVE; STICKLER SYNDROME, MEMBRANOUS VITREOUS TYPE; STICKLER SYNDROME, VITREOUS TYPE 1. Identifiers: Orphanet 828, Orphanet 90653, MedGen C2020284, MONDO:0007160, OMIM 108300.
Type 2 collagenopathy. Identifiers: Orphanet 93421, MedGen C2931073, MONDO:0022800.

Allele frequency attached by ClinVar (database versions not stated): ExAC 0.01025; 1000 Genomes Project 0.02117; 1000 Genomes Project 30x 0.02139; gnomAD 0.02148 and 0.02262; TOPMed 0.02371; ESP Exome Variant Server 0.02499.

Submissions (8):

Blueprint Genetics
Classification: Likely benign. Last evaluated: 2024-11-27. Review status: criteria provided, single submitter. Criteria: ACMG Guidelines, 2015. Collection method: clinical testing. Allele origin: germline.

ARUP Laboratories, Molecular Genetics and Genomics, ARUP Laboratories
Classification: Benign. Last evaluated: 2023-11-22. Review status: criteria provided, single submitter. Criteria: ARUP Molecular Germline Variant Investigation Process 2024. Collection method: clinical testing. Allele origin: germline.

Genome Diagnostics Laboratory, The Hospital for Sick Children
Classification: Benign for Connective tissue disorder. Last evaluated: 2020-11-13. Review status: criteria provided, single submitter. Criteria: ACMG Guidelines, 2015. Collection method: clinical testing. Allele origin: germline.

Athena Diagnostics
Classification: Benign. Last evaluated: 2018-12-06. Review status: criteria provided, single submitter. Criteria: Athena Diagnostics Criteria. Collection method: clinical testing. Allele origin: germline.

Illumina Laboratory Services, Illumina
Classification: Benign for Type II Collagenopathies. Last evaluated: 2018-01-13. Review status: criteria provided, single submitter. Criteria: ICSL Variant Classification Criteria 13 December 2019. Collection method: clinical testing. Allele origin: germline.
Comment: This variant was observed in the ICSL laboratory as part of a predisposition screen in an ostensibly healthy population. It had not been previously curated by ICSL or reported in the Human Gene Mutation Database (HGMD: prior to June 1st, 2018), and was therefore a candidate for classification through an automated scoring system. Utilizing variant allele frequency, disease prevalence and penetrance estimates, and inheritance mode, an automated score was calculated to assess if this variant is too frequent to cause the disease. Based on the score and internal cut-off values, a variant classified as benign is not then subjected to further curation. The score for this variant resulted in a classification of benign for this disease.

Illumina Laboratory Services, Illumina
Classification: Benign for Stickler syndrome type 1. Last evaluated: 2018-01-13. Review status: criteria provided, single submitter. Criteria: ICSL Variant Classification Criteria 13 December 2019. Collection method: clinical testing. Allele origin: germline.
Comment: the same text as in the submission from Illumina Laboratory Services, Illumina above.

GeneDx
Classification: Benign. Last evaluated: 2016-08-26. Review status: criteria provided, single submitter. Criteria: GeneDx Variant Classification (06012015). Collection method: clinical testing. Allele origin: germline. Affected: yes.
Comment: This variant is considered likely benign or benign based on one or more of the following criteria: it is a conservative change, it occurs at a poorly conserved position in the protein, it is predicted to be benign by multiple in silico algorithms, and/or has population frequency not consistent with disease.

Breakthrough Genomics
Classification: Benign. Review status: criteria provided, single submitter. Criteria: ACMG Guidelines, 2015. Collection method: not provided. Allele origin: germline. Inheritance: Autosomal dominant inheritance. Affected: yes.